The following is an entry in ClinVar:

ClinVar aggregate classification (germline): Pathogenic (1 of 4 stars; one submission).

Conditions:
Charcot-Marie-Tooth disease type 2. Also called: Charcot-Marie-Tooth type 2. Identifiers: Orphanet 64746, MedGen C0270914, MONDO:0018993.

Submission:

Labcorp Genetics (formerly Invitae), Labcorp
Classification: Pathogenic for Charcot-Marie-Tooth disease type 2. Last evaluated: 2022-12-06. Review status: criteria provided, single submitter. Criteria: Invitae Variant Classification Sherloc (09022015). Collection method: clinical testing. Allele origin: germline.
Comment: For these reasons, this variant has been classified as Pathogenic. This variant has not been reported in the literature in individuals affected with AARS-related conditions. This variant is a gross deletion of the genomic region encompassing exon(s) 2-11 of the AARS gene, which includes the initiator codon. This deletion extends beyond the assayed region for this gene and therefore may encompass additional genes. It is expected to result in an absent or disrupted protein product. Loss-of-function variants in AARS are known to be pathogenic (PMID: 25817015, 28493438, 34446925).

Literature cited by the submitters: PubMed 25817015; PubMed 28493438; PubMed 34446925.

NC_000016.10:g.(?_70264948)_(70282773_?)del

Gene: AARS1 (alanyl-tRNA synthetase 1; minus strand). Cytogenetic location: 16q22.1.
Variant type: Deletion.
Identifiers: ClinVar variation 663409 (VCV000663409.6).